The following is an entry in ClinVar:

ClinVar aggregate classification (germline): Likely benign. Review status: criteria provided, single submitter (1 of 4 stars). 2 submissions from 2 submitters: Likely benign (1). 1 of the submissions does not count toward it. Last evaluated 2025-10-07.

Allele frequency attached by ClinVar (database versions not stated): TOPMed 0.00004; gnomAD 0.00015; gnomAD exomes 0.00044; ExAC 0.00052; 1000 Genomes Project 30x 0.00156; 1000 Genomes Project 0.00160.
gnomAD v4.1: 308 of 1,614,184 alleles (0.019%); highest among the groups gnomAD compares: South Asian, 0.32%; 3 homozygotes.

Submissions (2):

Labcorp Genetics (formerly Invitae), Labcorp
Classification: Likely benign. Last evaluated: 2025-10-07. Review status: criteria provided, single submitter. Criteria: Invitae Variant Classification Sherloc (09022015). Collection method: clinical testing. Allele origin: germline.

Department of Pathology and Laboratory Medicine, Sinai Health System
Classification: Uncertain significance. Review status: no assertion criteria provided. Collection method: clinical testing. Allele origin: unknown. Affected: yes. Study: The Canadian Open Genetics Repository (COGR). Not counted in ClinVar's aggregate classification.
Comment: The UROS p.Asp8Asn variant was not identified in the literature nor was it identified in ClinVar. The variant was identified in dbSNP (ID: rs558929395) and in control databases in 111 of 251476 chromosomes (1 homozygous) at a frequency of 0.0004414 increasing the likelihood this could be a low frequency benign variant (Genome Aggregation Database March 6, 2019, v2.1.1). The variant was observed in the following populations: South Asian in 110 of 30616 chromosomes (freq: 0.003593) and Other in 1 of 6140 chromosomes (freq: 0.000163), but was not observed in the African, Latino, Ashkenazi Jewish, East Asian, European (Finnish), or European (non-Finnish) populations. The p.Asp8 residue is conserved in mammals but not in more distantly related organisms however four out of five computational analyses (PolyPhen-2, SIFT, AlignGVGD, BLOSUM, MutationTaster) do not suggest a high likelihood of impact to the protein; this information is not predictive enough to rule out pathogenicity. The variant occurs outside of the splicing consensus sequence and three of four in silico or computational prediction software programs (SpliceSiteFinder, MaxEntScan, NNSPLICE, GeneSplicer) do not predict a greater than 10% difference in splicing; this is not very predictive of pathogenicity. In summary, based on the above information the clinical significance of this variant cannot be determined with certainty at this time. This variant is classified as a variant of uncertain significance.

NM_000375.3(UROS):c.22G>A (p.Asp8Asn)

Gene: UROS (uroporphyrinogen III synthase; minus strand). Cytogenetic location: 10q26.2.
Variant type: single nucleotide variant.
Coding change: c.22G>A on transcript NM_000375.3 (MANE Select); coding-DNA position 22, G replaced by A.
Protein change: p.Asp8Asn; replaces aspartic acid 8 with asparagine.
Molecular consequence: missense variant. On other transcripts: non-coding transcript variant (3).
Genome position (GRCh38, 1-based): chr10:125,816,478, C>T on the plus strand (G>A on the coding strand, the complement: UROS is on the minus strand). VCF-style: chr10-125816478-C-T. GRCh37 (hg19) VCF-style: chr10-127505047-C-T.
Other names: c.22G>A, p.Asp8Asn (NM_001324036.2, NM_001324037.2, NM_001324038.2 and 1 more transcripts); short protein forms D8N.
Identifiers: ClinVar variation 1049333 (VCV001049333.6), dbSNP rs558929395, ClinGen allele CA5738610.
Genomic context (GRCh38, chr10:125,816,478, plus strand): 5'-GGAGTCTCAGGCCACTTACCCTGATATACGGATCCTGGCCACAGTCATCTTCCTTCGCAT[C>T]CTTCAGTAAAAGAACCTTCATTATTGCCTGGCAGTCCTTATAGGGCACTGCGACAGAGCA-3'
Protein context (NP_000366.1, residues 1-18): MKVLLLK[Asp8Asn]AKEDDCGQDP